The following is an entry in ClinVar:

NM_013266.4(CTNNA3):c.605A>G (p.Asp202Gly)

Gene: CTNNA3 (catenin alpha 3; minus strand). Cytogenetic location: 10q21.3.
Variant type: single nucleotide variant.
Coding change: c.605A>G on transcript NM_013266.4 (MANE Select); coding-DNA position 605, A replaced by G.
Protein change: p.Asp202Gly; replaces aspartic acid 202 with glycine.
Molecular consequence: missense variant.
Genome position (GRCh38, 1-based): chr10:67,219,845, T>C on the plus strand (A>G on the coding strand, the complement: CTNNA3 is on the minus strand). VCF-style: chr10-67219845-T-C. GRCh37 (hg19) VCF-style: chr10-68979603-T-C.
Other names: c.605A>G, p.Asp202Gly (NM_001127384.3); c.641A>G, p.Asp214Gly (NM_001291133.2); short protein forms D202G, D214G.
Identifiers: ClinVar variation 4657495 (VCV004657495.1).

ClinVar aggregate classification (germline): Uncertain significance (1 of 4 stars; one submission).

gnomAD v4.1: 7 of 1,612,402 alleles (0.00043%); highest among the groups gnomAD compares: Middle Eastern, 0.017%; no homozygotes.

Submission:

Ambry Genetics
Classification: Uncertain significance. Last evaluated: 2025-11-10. Review status: criteria provided, single submitter. Criteria: Ambry Variant Classification Scheme 2023. Collection method: clinical testing. Allele origin: germline.
Comment: The p.D202G variant (also known as c.605A>G), located in coding exon 5 of the CTNNA3 gene, results from an A to G substitution at nucleotide position 605. The aspartic acid at codon 202 is replaced by glycine, an amino acid with similar properties. This amino acid position is conserved. In addition, the in silico prediction for this alteration is inconclusive. Based on the available evidence, the clinical significance of this variant remains unclear.